The following is an entry in ClinVar:

NM_004360.5(CDH1):c.1690C>T (p.Leu564=)

Gene: CDH1 (cadherin 1; plus strand). Cytogenetic location: 16q22.1.
Variant type: single nucleotide variant.
Coding change: c.1690C>T on transcript NM_004360.5 (MANE Select); coding-DNA position 1690, C replaced by T.
Protein change: p.Leu564=; no amino-acid change (leucine 564 retained).
Molecular consequence: synonymous variant. On other transcripts: intron variant (1).
Genome position (GRCh38, 1-based): chr16:68,819,404, C>T. VCF-style: chr16-68819404-C-T. GRCh37 (hg19) VCF-style: chr16-68853307-C-T.
Other names: c.1690C>T (LRG_301t1); c.1507C>T, p.Leu503= (NM_001317184.2); c.142C>T, p.Leu48= (NM_001317185.2); c.-254-2597C>T (NM_001317186.2).
Identifiers: ClinVar variation 184222 (VCV000184222.20), dbSNP rs786201342, ClinGen allele CA188247.

ClinVar aggregate classification (germline): Benign/Likely benign. Review status: criteria provided, multiple submitters, no conflicts (2 of 4 stars). 6 submissions from 6 submitters: Benign (1); Likely benign (5). Last evaluated 2025-09-17.

Conditions:
Hereditary cancer-predisposing syndrome. Also called: Tumor predisposition; Hereditary Cancer Syndrome; Hereditary neoplastic syndrome; Neoplastic Syndromes, Hereditary. Identifiers: Orphanet 140162, MedGen C0027672, MeSH D009386, MONDO:0015356.
Hereditary diffuse gastric adenocarcinoma (HDGC). Also called: DIFFUSE GASTRIC AND LOBULAR BREAST CANCER SYNDROME. Identifiers: Orphanet 26106, MedGen C1708349, MONDO:0007648, OMIM 137215.

Allele frequency attached by ClinVar (database versions not stated): gnomAD exomes below 0.00001 and 0.00001.
gnomAD v4.1: 3 of 1,613,690 alleles (0.00019%); highest among the groups gnomAD compares: Non-Finnish European, 0.00025%; no homozygotes.

Submissions (6):

Labcorp Genetics (formerly Invitae), Labcorp
Classification: Likely benign for Hereditary diffuse gastric adenocarcinoma. Last evaluated: 2025-09-17. Review status: criteria provided, single submitter. Criteria: Invitae Variant Classification Sherloc (09022015). Collection method: clinical testing. Allele origin: germline.

Myriad Genetics, Inc.
Classification: Benign for Hereditary diffuse gastric adenocarcinoma. Last evaluated: 2024-09-19. Review status: criteria provided, single submitter. Criteria: Myriad Autosomal Dominant, Autosomal Recessive and X-Linked Classification Criteria (2023). Collection method: clinical testing. Allele origin: unknown.
Comment: This variant is considered benign. This variant is a silent/synonymous amino acid change and it is not expected to impact splicing.

Women's Health and Genetics/Laboratory Corporation of America, LabCorp
Classification: Likely benign. Last evaluated: 2020-10-08. Review status: criteria provided, single submitter. Criteria: LabCorp Variant Classification Summary - May 2015. Collection method: clinical testing. Allele origin: germline.

Color Diagnostics, LLC DBA Color Health
Classification: Likely benign for Hereditary cancer-predisposing syndrome. Last evaluated: 2018-02-21. Review status: criteria provided, single submitter. Criteria: ACMG Guidelines, 2015. Collection method: clinical testing. Allele origin: germline.

GeneDx
Classification: Likely benign. Last evaluated: 2016-06-07. Review status: criteria provided, single submitter. Criteria: GeneDx Variant Classification (06012015). Collection method: clinical testing. Allele origin: germline. Affected: yes.
Comment: This variant is considered likely benign or benign based on one or more of the following criteria: it is a conservative change, it occurs at a poorly conserved position in the protein, it is predicted to be benign by multiple in silico algorithms, and/or has population frequency not consistent with disease.

Ambry Genetics
Classification: Likely benign for Hereditary cancer-predisposing syndrome. Last evaluated: 2015-08-10. Review status: criteria provided, single submitter. Criteria: Ambry Variant Classification Scheme 2023. Collection method: clinical testing. Allele origin: germline.